The following is an entry in ClinVar:

ClinVar aggregate classification (germline): Likely benign. Review status: criteria provided, multiple submitters, no conflicts (2 of 4 stars). 4 submissions from 4 submitters: Likely benign (3). 1 of the submissions does not count toward it. Last evaluated 2026-01-27.

Conditions:
Familial hemophagocytic lymphohistiocytosis 5. Also called: STXBP2-Related Familial Hemophagocytic Lymphohistiocytosis (STXBP2-fHLH). Identifiers: Orphanet 540, MedGen C2751293, MONDO:0013135, OMIM 613101.
STXBP2-related disorder. Also called: STXBP2-related condition.

Allele frequency attached by ClinVar (database versions not stated): gnomAD exomes 0.00007 and 0.00041; gnomAD 0.00009; TOPMed 0.00018; 1000 Genomes Project 0.00020; 1000 Genomes Project 30x 0.00031; ExAC 0.00039.
gnomAD v4.1: 119 of 1,614,052 alleles (0.0074%); highest among the groups gnomAD compares: Admixed American, 0.19%; 2 homozygotes.

Submissions (4):

Labcorp Genetics (formerly Invitae), Labcorp
Classification: Likely benign for Familial hemophagocytic lymphohistiocytosis 5. Last evaluated: 2026-01-27. Review status: criteria provided, single submitter. Criteria: Invitae Variant Classification Sherloc (09022015). Collection method: clinical testing. Allele origin: germline.

Mayo Clinic Laboratories, Mayo Clinic
Classification: Likely benign. Last evaluated: 2025-09-24. Review status: criteria provided, single submitter. Criteria: ACMG Guidelines, 2015. Collection method: clinical testing. Allele origin: germline. Observed: 1 variant allele.
Comment: BS1, BP4_moderate

Blueprint Genetics
Classification: Likely benign. Last evaluated: 2018-09-17. Review status: criteria provided, single submitter. Criteria: ACMG Guidelines, 2015. Collection method: clinical testing. Allele origin: germline.

PreventionGenetics, part of Exact Sciences
Classification: Likely benign for STXBP2-related condition. Last evaluated: 2024-01-08. Review status: no assertion criteria provided. Collection method: clinical testing. Allele origin: germline. Not counted in ClinVar's aggregate classification.
Comment: This variant is classified as likely benign based on ACMG/AMP sequence variant interpretation guidelines (Richards et al. 2015 PMID: 25741868, with internal and published modifications).

NM_006949.4(STXBP2):c.820G>T (p.Ala274Ser)

Gene: STXBP2 (syntaxin binding protein 2; plus strand). Cytogenetic location: 19p13.2.
Variant type: single nucleotide variant.
Coding change: c.820G>T on transcript NM_006949.4 (MANE Select); coding-DNA position 820, G replaced by T.
Protein change: p.Ala274Ser; replaces alanine 274 with serine.
Molecular consequence: missense variant. On other transcripts: non-coding transcript variant (1).
Genome position (GRCh38, 1-based): chr19:7,642,454, G>T. VCF-style: chr19-7642454-G-T. GRCh37 (hg19) VCF-style: chr19-7707340-G-T.
Other names: p.Ala274Ser; c.811G>T, p.Ala271Ser (NM_001127396.3); c.853G>T, p.Ala285Ser (NM_001272034.2); short protein forms A285S, A274S, A271S.
Identifiers: ClinVar variation 718978 (VCV000718978.14), dbSNP rs199971069, ClinGen allele CA9143810.
Genomic context (GRCh38, chr19:7,642,454, plus strand): 5'-TCCCCTGACCCCCAGGCTCCCTCCTTCCTCCCCAGGTATGAGACCACCGGGCTGAGCGAG[G>T]CGCGGGAGAAGGCCGTCTTGCTGGACGAGGACGATGACTTGTGGGTGGAGCTTCGCCACA-3'
Protein context (NP_008880.2, residues 264-284): YRYETTGLSE[Ala274Ser]REKAVLLDED